The following is an entry in ClinVar:

NM_004385.5(VCAN):c.1243A>G (p.Ile415Val)

Gene: VCAN (versican; plus strand). Cytogenetic location: 5q14.3.
Variant type: single nucleotide variant.
Coding change: c.1243A>G on transcript NM_004385.5 (MANE Select); coding-DNA position 1243, A replaced by G.
Protein change: p.Ile415Val; replaces isoleucine 415 with valine.
Molecular consequence: missense variant. On other transcripts: intron variant (2).
Genome position (GRCh38, 1-based): chr5:83,519,549, A>G. VCF-style: chr5-83519549-A-G. GRCh37 (hg19) VCF-style: chr5-82815368-A-G.
Other names: c.1243A>G, p.Ile415Val (NM_001164098.2); c.1042+7153A>G (NM_001164097.2, NM_001126336.3); c.1243A>G (NM_004385.4); short protein forms I415V.
Identifiers: ClinVar variation 1167697 (VCV001167697.16), dbSNP rs141268824, ClinGen allele CA3332634.
Genomic context (GRCh38, chr5:83,519,549, plus strand): 5'-TTCCCTCCCGTGGGAAATATTGTCAGTTTTGAACAGAAAGCCACAGTCCAACCTCAGGCT[A>G]TCACAGATAGTTTAGCCACCAAATTACCCACACCTACTGGCAGTACCAAGAAGCCCTGGG-3'
Protein context (NP_004376.2, residues 405-425): EQKATVQPQA[Ile415Val]TDSLATKLPT

ClinVar aggregate classification (germline): Benign/Likely benign. Review status: criteria provided, multiple submitters, no conflicts (2 of 4 stars). 6 submissions from 6 submitters: Benign (1); Likely benign (2). 3 of the submissions do not count toward it. Last evaluated 2025-12-26.

Conditions:
VCAN-related disorder. Also called: VCAN-related condition.
Inborn genetic diseases. Identifiers: MedGen C0950123, MeSH D030342.

Allele frequency attached by ClinVar (database versions not stated): gnomAD exomes 0.00015 and 0.00043; ExAC 0.00051; gnomAD 0.00118 and 0.00127; ESP Exome Variant Server 0.00123; TOPMed 0.00153; 1000 Genomes Project 30x 0.00172; 1000 Genomes Project 0.00180.
gnomAD v4.1: 399 of 1,614,176 alleles (0.025%); highest among the groups gnomAD compares: African/African-American, 0.48%; 2 homozygotes.

Submissions (6):

Labcorp Genetics (formerly Invitae), Labcorp
Classification: Benign. Last evaluated: 2025-12-26. Review status: criteria provided, single submitter. Criteria: Invitae Variant Classification Sherloc (09022015). Collection method: clinical testing. Allele origin: germline.

Blueprint Genetics
Classification: Likely benign. Last evaluated: 2024-08-30. Review status: criteria provided, single submitter. Criteria: ACMG Guidelines, 2015. Collection method: clinical testing. Allele origin: germline.

Ambry Genetics
Classification: Likely benign for Inborn genetic diseases. Last evaluated: 2023-12-09. Review status: criteria provided, single submitter. Criteria: Ambry Variant Classification Scheme 2023. Collection method: clinical testing. Allele origin: germline.

PreventionGenetics, part of Exact Sciences
Classification: Benign for VCAN-related condition. Last evaluated: 2019-06-03. Review status: no assertion criteria provided. Collection method: clinical testing. Allele origin: germline. Not counted in ClinVar's aggregate classification.
Comment: This variant is classified as benign based on ACMG/AMP sequence variant interpretation guidelines (Richards et al. 2015 PMID: 25741868, with internal and published modifications).

Clinical Genetics DNA and cytogenetics Diagnostics Lab, Erasmus MC, Erasmus Medical Center
Classification: Likely benign. Review status: no assertion criteria provided. Collection method: clinical testing. Allele origin: germline. Affected: yes. Study: VKGL Data-share Consensus. Not counted in ClinVar's aggregate classification.

Clinical Genetics, Academic Medical Center
Classification: Benign. Review status: no assertion criteria provided. Collection method: clinical testing. Allele origin: germline. Affected: yes. Study: VKGL Data-share Consensus. Not counted in ClinVar's aggregate classification.